The following is an entry in ClinVar:

NM_000540.3(RYR1):c.10694G>T (p.Gly3565Val)

Gene: RYR1 (ryanodine receptor 1; plus strand). Cytogenetic location: 19q13.2.
Variant type: single nucleotide variant.
Coding change: c.10694G>T on transcript NM_000540.3 (MANE Select); coding-DNA position 10694, G replaced by T.
Protein change: p.Gly3565Val; replaces glycine 3565 with valine.
Molecular consequence: missense variant.
Genome position (GRCh38, 1-based): chr19:38,527,654, G>T. VCF-style: chr19-38527654-G-T. GRCh37 (hg19) VCF-style: chr19-39018294-G-T.
Other names: c.10694G>T (NM_000540.2); c.10679G>T, p.Gly3560Val (NM_001042723.2); short protein forms G3565V, G3560V.
Identifiers: ClinVar variation 1441544 (VCV001441544.7), dbSNP rs761545088, ClinGen allele CA405646484.

ClinVar aggregate classification (germline): Uncertain significance. Review status: criteria provided, multiple submitters, no conflicts (2 of 4 stars). 2 submissions from 2 submitters: Uncertain significance (2). Last evaluated 2022-07-06.

Conditions:
RYR1-related disorder. Also called: RYR1-related condition; RYR1-related disorders. Identifiers: MedGen CN239331.

Allele frequency attached by ClinVar (database versions not stated): TOPMed below 0.00001; gnomAD 0.00001.
gnomAD v4.1: 2 of 1,613,992 alleles (0.00012%); highest among the groups gnomAD compares: Non-Finnish European, 0.00017%; no homozygotes.

Submissions (2):

Labcorp Genetics (formerly Invitae), Labcorp
Classification: Uncertain significance for RYR1-related disorder. Last evaluated: 2022-07-06. Review status: criteria provided, single submitter. Criteria: Invitae Variant Classification Sherloc (09022015). Collection method: clinical testing. Allele origin: germline.
Comment: This sequence change replaces glycine, which is neutral and non-polar, with valine, which is neutral and non-polar, at codon 3565 of the RYR1 protein (p.Gly3565Val). The frequency data for this variant in the population databases is considered unreliable, as metrics indicate poor data quality at this position in the gnomAD database. This variant has not been reported in the literature in individuals affected with RYR1-related conditions. ClinVar contains an entry for this variant (Variation ID: 1441544). Advanced modeling of protein sequence and biophysical properties (such as structural, functional, and spatial information, amino acid conservation, physicochemical variation, residue mobility, and thermodynamic stability) performed at Invitae indicates that this missense variant is not expected to disrupt RYR1 protein function. In summary, the available evidence is currently insufficient to determine the role of this variant in disease. Therefore, it has been classified as a Variant of Uncertain Significance.

Revvity Omics, Revvity
Classification: Uncertain significance. Last evaluated: 2019-10-30. Review status: criteria provided, single submitter. Criteria: ACMG Guidelines, 2015. Collection method: clinical testing. Allele origin: germline.